The following is an entry in ClinVar:

ClinVar aggregate classification (germline): Uncertain significance (1 of 4 stars; one submission).

Conditions:
Hereditary cancer-predisposing syndrome. Also called: Tumor predisposition; Hereditary neoplastic syndrome; Hereditary Cancer Syndrome; Neoplastic Syndromes, Hereditary. Identifiers: Orphanet 140162, MedGen C0027672, MeSH D009386, MONDO:0015356.

Submission:

Ambry Genetics
Classification: Uncertain significance for Hereditary cancer-predisposing syndrome. Last evaluated: 2025-05-29. Review status: criteria provided, single submitter. Criteria: Ambry Variant Classification Scheme 2023. Collection method: clinical testing. Allele origin: germline.
Comment: The c.4071delC variant, located in coding exon 32 of the POLE gene, results from a deletion of one nucleotide at nucleotide position 4071, causing a translational frameshift with a predicted alternate stop codon (p.C1357*). This alteration is expected to result in loss of function by premature protein truncation or nonsense-mediated mRNA decay. Although biallelic loss of function of POLE has been associated with autosomal recessive POLE deficiency, haploinsufficiency of POLE has not been established as a mechanism of disease for POLE-related polymerase proofreading-associated polyposis (PPAP) and POLE-related CMMRD-like syndrome. Based on the supporting evidence, this variant is expected to be causative of POLE deficiency when present along with a second pathogenic variant on the other allele; however, its clinical significance for PPAP and POLE-related CMMRD-like syndrome is unclear.

NM_006231.4(POLE):c.4071del (p.His1356_Cys1357insTer)

Gene: POLE (DNA polymerase epsilon, catalytic subunit; minus strand). Cytogenetic location: 12q24.33.
Variant type: Deletion.
Coding change: c.4071del on transcript NM_006231.4 (MANE Select); coding-DNA position 4071, one base deleted (C; older notation c.4071delC).
Protein change: p.His1356_Cys1357insTer.
Molecular consequence: nonsense.
Genome position (GRCh38, 1-based): chr12:132,649,007, G deleted on the plus strand (C on the coding strand, the reverse complement: POLE is on the minus strand). VCF-style (leftmost placement, unchanged base first): chr12-132649006-TG-T. GRCh37 (hg19) VCF-style: chr12-133225592-TG-T.
Identifiers: ClinVar variation 3935760 (VCV003935760.1).
Genomic context (GRCh38, chr12:132,649,006, plus strand): 5'-CCTCCTCCGCTTTAGCGACTCGCTGGTTCACGTAGAACACACGGGGGATGCTCAGCCTGA[TG>T]CAGTGCAAGTCACTGCCAACGAGCGCCCACAGCCTGAACAGGCCGGCCTGGCTGGTCTCG-3'